The following is an entry in ClinVar:

ClinVar aggregate classification (germline): Uncertain significance (1 of 4 stars; one submission).

Conditions:
Epilepsy. Also called: Seizure disorder. Identifiers: MedGen C0014544, MeSH D004827, MONDO:0005027.

Allele frequency attached by ClinVar (database versions not stated): gnomAD exomes below 0.00001; TOPMed below 0.00001; gnomAD 0.00001.
gnomAD v4.1: 6 of 1,550,048 alleles (0.00039%); highest among the groups gnomAD compares: Middle Eastern, 0.017%; no homozygotes.

Submission:

Labcorp Genetics (formerly Invitae), Labcorp
Classification: Uncertain significance for Epilepsy. Last evaluated: 2024-02-08. Review status: criteria provided, single submitter. Criteria: Invitae Variant Classification Sherloc (09022015). Collection method: clinical testing. Allele origin: germline.
Comment: This sequence change replaces tryptophan, which is neutral and slightly polar, with cysteine, which is neutral and slightly polar, at codon 295 of the PIGQ protein (p.Trp295Cys). This variant is not present in population databases (gnomAD no frequency). This variant has not been reported in the literature in individuals affected with PIGQ-related conditions. ClinVar contains an entry for this variant (Variation ID: 526271). An algorithm developed to predict the effect of missense changes on protein structure and function (PolyPhen-2) suggests that this variant is likely to be disruptive. In summary, the available evidence is currently insufficient to determine the role of this variant in disease. Therefore, it has been classified as a Variant of Uncertain Significance.

NM_004204.5(PIGQ):c.885G>T (p.Trp295Cys)

Gene: PIGQ (phosphatidylinositol glycan anchor biosynthesis class Q; plus strand). Cytogenetic location: 16p13.3.
Variant type: single nucleotide variant.
Coding change: c.885G>T on transcript NM_004204.5 (MANE Select); coding-DNA position 885, G replaced by T.
Protein change: p.Trp295Cys; replaces tryptophan 295 with cysteine.
Molecular consequence: missense variant.
Genome position (GRCh38, 1-based): chr16:576,197, G>T. VCF-style: chr16-576197-G-T. GRCh37 (hg19) VCF-style: chr16-626197-G-T.
Other names: c.885G>T, p.Trp295Cys (NM_148920.4); short protein forms W295C.
Identifiers: ClinVar variation 526271 (VCV000526271.7), dbSNP rs1249538886, ClinGen allele CA394052595.